The following is an entry in ClinVar:

NM_000824.5(GLRB):c.1318A>C (p.Lys440Gln)

Gene: GLRB (glycine receptor beta; plus strand). Cytogenetic location: 4q32.1.
Variant type: single nucleotide variant.
Coding change: c.1318A>C on transcript NM_000824.5 (MANE Select); coding-DNA position 1318, A replaced by C.
Protein change: p.Lys440Gln; replaces lysine 440 with glutamine.
Molecular consequence: missense variant. On other transcripts: 3 prime UTR variant (1).
Genome position (GRCh38, 1-based): chr4:157,170,552, A>C. VCF-style: chr4-157170552-A-C. GRCh37 (hg19) VCF-style: chr4-158091704-A-C.
Other names: c.1318A>C, p.Lys440Gln (NM_001166060.2); c.*113A>C (NM_001166061.2); short protein forms K440Q.
Identifiers: ClinVar variation 2104895 (VCV002104895.4), dbSNP rs2530170387, ClinGen allele CA358645135.

ClinVar aggregate classification (germline): Uncertain significance (1 of 4 stars; one submission).

Conditions:
Hyperekplexia 2 (HKPX2). Identifiers: Orphanet 3197, MedGen C3553291, MONDO:0013828, OMIM 614619.

Submission:

Labcorp Genetics (formerly Invitae), Labcorp
Classification: Uncertain significance for Hyperekplexia 2. Last evaluated: 2022-02-28. Review status: criteria provided, single submitter. Criteria: Invitae Variant Classification Sherloc (09022015). Collection method: clinical testing. Allele origin: germline.
Comment: In summary, the available evidence is currently insufficient to determine the role of this variant in disease. Therefore, it has been classified as a Variant of Uncertain Significance. Advanced modeling of protein sequence and biophysical properties (such as structural, functional, and spatial information, amino acid conservation, physicochemical variation, residue mobility, and thermodynamic stability) performed at Invitae indicates that this missense variant is not expected to disrupt GLRB protein function. This variant has not been reported in the literature in individuals affected with GLRB-related conditions. This variant is not present in population databases (gnomAD no frequency). This sequence change replaces lysine, which is basic and polar, with glutamine, which is neutral and polar, at codon 440 of the GLRB protein (p.Lys440Gln).